The following is an entry in ClinVar:

NM_000512.5(GALNS):c.566+6G>A

Gene: GALNS (galactosamine (N-acetyl)-6-sulfatase; minus strand). Cytogenetic location: 16q24.3.
Variant type: single nucleotide variant.
Coding change: c.566+6G>A on transcript NM_000512.5 (MANE Select); 6 bases into the intron after coding-DNA position 566, G replaced by A.
Molecular consequence: intron variant.
Genome position (GRCh38, 1-based): chr16:88,837,616, C>T on the plus strand (G>A on the coding strand, the complement: GALNS is on the minus strand). VCF-style: chr16-88837616-C-T. GRCh37 (hg19) VCF-style: chr16-88904024-C-T.
Other names: c.11+6G>A (NM_001323543.2); c.584+6G>A (NM_001323544.2).
Identifiers: ClinVar variation 1016323 (VCV001016323.6), dbSNP rs1912274502, ClinGen allele CA645575365.

ClinVar aggregate classification (germline): Uncertain significance (1 of 4 stars; one submission).

Conditions:
Mucopolysaccharidosis, MPS-IV-A (MPS4A). Also called: Morquio syndrome A, mild; MORQUIO SYNDROME A; Mucopolysaccharidosis type IV A; Mucopolysaccharidosis Type IVA; GALACTOSAMINE-6-SULFATASE DEFICIENCY; GALNS DEFICIENCY. Identifiers: Orphanet 309297, Orphanet 582, MedGen C0086651, MONDO:0009659, OMIM 253000.

Allele frequency attached by ClinVar (database versions not stated): gnomAD exomes below 0.00001; TOPMed below 0.00001.
gnomAD v4.1: 4 of 1,612,562 alleles (0.00025%); highest among the groups gnomAD compares: Non-Finnish European, 0.00034%; no homozygotes.

Submission:

Labcorp Genetics (formerly Invitae), Labcorp
Classification: Uncertain significance for Mucopolysaccharidosis, MPS-IV-A. Last evaluated: 2022-05-27. Review status: criteria provided, single submitter. Criteria: Invitae Variant Classification Sherloc (09022015). Collection method: clinical testing. Allele origin: germline.
Comment: In summary, the available evidence is currently insufficient to determine the role of this variant in disease. Therefore, it has been classified as a Variant of Uncertain Significance. Variants that disrupt the consensus splice site are a relatively common cause of aberrant splicing (PMID: 17576681, 9536098). Algorithms developed to predict the effect of sequence changes on RNA splicing suggest that this variant is not likely to affect RNA splicing. ClinVar contains an entry for this variant (Variation ID: 1016323). This variant has not been reported in the literature in individuals affected with GALNS-related conditions. This variant is not present in population databases (gnomAD no frequency). This sequence change falls in intron 5 of the GALNS gene. It does not directly change the encoded amino acid sequence of the GALNS protein. It affects a nucleotide within the consensus splice site.

Literature cited by the submitters: PubMed 17576681; PubMed 9536098.